The following is an entry in ClinVar:

ClinVar aggregate classification (germline): Uncertain significance (1 of 4 stars; one submission).

gnomAD v4.1: 18 of 1,613,770 alleles (0.0011%); highest among the groups gnomAD compares: South Asian, 0.02%; no homozygotes.

Submission:

Labcorp Genetics (formerly Invitae), Labcorp
Classification: Uncertain significance. Last evaluated: 2024-07-12. Review status: criteria provided, single submitter. Criteria: Invitae Variant Classification Sherloc (09022015). Collection method: clinical testing. Allele origin: germline.
Comment: This sequence change replaces histidine, which is basic and polar, with glutamine, which is neutral and polar, at codon 84 of the SLC12A6 protein (p.His84Gln). This variant is present in population databases (rs778235040, gnomAD 0.02%). This variant has not been reported in the literature in individuals affected with SLC12A6-related conditions. Advanced modeling of protein sequence and biophysical properties (such as structural, functional, and spatial information, amino acid conservation, physicochemical variation, residue mobility, and thermodynamic stability) performed at Invitae indicates that this missense variant is not expected to disrupt SLC12A6 protein function with a negative predictive value of 95%. In summary, the available evidence is currently insufficient to determine the role of this variant in disease. Therefore, it has been classified as a Variant of Uncertain Significance.

NM_001365088.1(SLC12A6):c.252C>G (p.His84Gln)

Gene: SLC12A6 (solute carrier family 12 member 6; minus strand). Cytogenetic location: 15q14.
Variant type: single nucleotide variant.
Coding change: c.252C>G on transcript NM_001365088.1 (MANE Select); coding-DNA position 252, C replaced by G.
Protein change: p.His84Gln; replaces histidine 84 with glutamine.
Molecular consequence: missense variant.
Genome position (GRCh38, 1-based): chr15:34,336,429, G>C on the plus strand (C>G on the coding strand, the complement: SLC12A6 is on the minus strand). VCF-style: chr15-34336429-G-C. GRCh37 (hg19) VCF-style: chr15-34628630-G-C.
Other names: c.75C>G, p.His25Gln (NM_001042494.2, NM_001042495.2); c.225C>G, p.His75Gln (NM_001042496.2); c.252C>G, p.His84Gln (NM_001042497.2, NM_133647.2); short protein forms H25Q, H84Q, H75Q.
Identifiers: ClinVar variation 3704522 (VCV003704522.1).